The following is an entry in ClinVar:

NM_001148.6(ANK2):c.10674T>C (p.His3558=)

Gene: ANK2 (ankyrin 2; plus strand). Cytogenetic location: 4q26.
Variant type: single nucleotide variant.
Coding change: c.10674T>C on transcript NM_001148.6 (MANE Select); coding-DNA position 10674, T replaced by C.
Protein change: p.His3558=; no amino-acid change (histidine 3558 retained).
Molecular consequence: synonymous variant. On other transcripts: intron variant (68).
Genome position (GRCh38, 1-based): chr4:113,359,292, T>C. VCF-style: chr4-113359292-T-C. GRCh37 (hg19) VCF-style: chr4-114280448-T-C.
Other names: c.10440T>C, p.His3480= (NM_001386142.1); c.7074T>C, p.His2358= (NM_001386166.1); c.10815T>C, p.His3605= (NM_001386174.1); c.10791T>C, p.His3597= (NM_001386175.1); c.4412-1531T>C (NM_001386186.2, NM_001386148.2); c.4214-1531T>C (NM_001354269.3); c.4292-1531T>C (NM_001386187.2); c.4253-1531T>C (NM_001386147.1); and 36 more.
Identifiers: ClinVar variation 1594551 (VCV001594551.32), dbSNP rs761385520, ClinGen allele CA3052099.
Genomic context (GRCh38, chr4:113,359,292, plus strand): 5'-TTGGGATGAGTCTATTGAGACTCTGATTGAACGCATCCCTGATGAAAATGGCCATGACCA[T>C]GCTGAAGGTATTTGCCAGCCACCGGGATTCCCTGTGCTACGCATGTCATAAAATTGATAT-3'
Protein context (NP_001139.3, residues 3548-3568): ERIPDENGHD[His3558=]AEDPQDEQER

ClinVar aggregate classification (germline): Likely benign. Review status: criteria provided, multiple submitters, no conflicts (2 of 4 stars). 3 submissions from 3 submitters: Likely benign (3). Last evaluated 2025-09-25.

Conditions:
Cardiovascular phenotype. Identifiers: MedGen CN230736.
Long QT syndrome (LQTS). Identifiers: MedGen C0023976, MeSH D008133, MONDO:0002442. Disease mechanism: loss of function. Inheritance: Various modes of inheritance.

Allele frequency attached by ClinVar (database versions not stated): gnomAD exomes below 0.00001 and 0.00001; ExAC 0.00001; gnomAD 0.00001; TOPMed 0.00001.
gnomAD v4.1: 9 of 1,613,722 alleles (0.00056%); highest among the groups gnomAD compares: Non-Finnish European, 0.00076%; no homozygotes.

Submissions (3):

Labcorp Genetics (formerly Invitae), Labcorp
Classification: Likely benign for Long QT syndrome. Last evaluated: 2025-09-25. Review status: criteria provided, single submitter. Criteria: Invitae Variant Classification Sherloc (09022015). Collection method: clinical testing. Allele origin: germline.

Ambry Genetics
Classification: Likely benign for Cardiovascular phenotype. Last evaluated: 2025-04-20. Review status: criteria provided, single submitter. Criteria: Ambry Variant Classification Scheme 2023. Collection method: clinical testing. Allele origin: germline.

CeGaT Center for Human Genetics Tuebingen
Classification: Likely benign. Last evaluated: 2022-07-01. Review status: criteria provided, single submitter. Criteria: CeGaT Center For Human Genetics Tuebingen Variant Classification Criteria Version 2. Collection method: clinical testing. Allele origin: germline. Affected: yes. Observed: 1 variant allele.
Comment: ANK2: BP4, BP7